The following is an entry in ClinVar:

NM_004360.5(CDH1):c.531+7A>G

Gene: CDH1 (cadherin 1; plus strand). Cytogenetic location: 16q22.1.
Variant type: single nucleotide variant.
Coding change: c.531+7A>G on transcript NM_004360.5 (MANE Select); 7 bases into the intron after coding-DNA position 531, A replaced by G.
Molecular consequence: intron variant.
Genome position (GRCh38, 1-based): chr16:68,808,574, A>G. VCF-style: chr16-68808574-A-G. GRCh37 (hg19) VCF-style: chr16-68842477-A-G.
Other names: c.-1085+7A>G (NM_001317185.2); c.-1289+7A>G (NM_001317186.2); c.531+7A>G (NM_001317184.2).
Identifiers: ClinVar variation 3378461 (VCV003378461.1).

ClinVar aggregate classification (germline): Likely benign (1 of 4 stars; one submission).

Conditions:
Hereditary diffuse gastric adenocarcinoma (HDGC). Also called: DIFFUSE GASTRIC AND LOBULAR BREAST CANCER SYNDROME. Identifiers: Orphanet 26106, MedGen C1708349, MONDO:0007648, OMIM 137215.

Submission:

Myriad Genetics, Inc.
Classification: Likely benign for Hereditary diffuse gastric adenocarcinoma. Last evaluated: 2024-09-13. Review status: criteria provided, single submitter. Criteria: Myriad Autosomal Dominant, Autosomal Recessive and X-Linked Classification Criteria (2023). Collection method: clinical testing. Allele origin: unknown.
Comment: This variant is considered likely benign. This variant is intronic and is not expected to impact mRNA splicing.